The following is an entry in ClinVar:

NM_182925.5(FLT4):c.3985G>A (p.Gly1329Ser)

Gene: FLT4 (fms related receptor tyrosine kinase 4; minus strand). Cytogenetic location: 5q35.3.
Variant type: single nucleotide variant.
Coding change: c.3985G>A on transcript NM_182925.5 (MANE Select); coding-DNA position 3985, G replaced by A.
Protein change: p.Gly1329Ser; replaces glycine 1329 with serine.
Molecular consequence: missense variant.
Genome position (GRCh38, 1-based): chr5:180,603,299, C>T on the plus strand (G>A on the coding strand, the complement: FLT4 is on the minus strand). VCF-style: chr5-180603299-C-T. GRCh37 (hg19) VCF-style: chr5-180030299-C-T.
Other names: short protein forms G1329S.
Identifiers: ClinVar variation 3770687 (VCV003770687.14).

ClinVar aggregate classification (germline): Uncertain significance. Review status: criteria provided, multiple submitters, no conflicts (2 of 4 stars). 2 submissions from 2 submitters: Uncertain significance (2). Last evaluated 2025-01-01.

Conditions:
Hereditary lymphedema type I (LMPHM1). Also called: LYMPHATIC MALFORMATION 1; Milroy Disease; Nonne-Milroy disease; Congenital hereditary lymphedema; Early onset lymphedema; Hereditary lymphedema 1. Identifiers: Orphanet 79452, MedGen C1704423, MONDO:0007919, OMIM 153100.
Capillary infantile hemangioma. Also called: Hereditary capillary infantile hemangioma; Hemangioma, capillary infantile, somatic; HEMANGIOMA, HEREDITARY CAPILLARY. Identifiers: MedGen C1865871, MONDO:0011191, OMIM 602089.
Congenital heart defects, multiple types, 7. Identifiers: MedGen C5394062, MONDO:0032913, OMIM 618780.

gnomAD v4.1: 51 of 1,614,020 alleles (0.0032%); highest among the groups gnomAD compares: East Asian, 0.027%; no homozygotes.

Submissions (2):

CeGaT Center for Human Genetics Tuebingen
Classification: Uncertain significance. Last evaluated: 2025-01-01. Review status: criteria provided, single submitter. Criteria: CeGaT Center For Human Genetics Tuebingen Variant Classification Criteria Version 2. Collection method: clinical testing. Allele origin: germline. Affected: yes. Observed: 1 variant allele.

Juno Genomics, Hangzhou Juno Genomics, Inc
Classification: Uncertain significance for Capillary infantile hemangioma; Congenital heart defects, multiple types, 7; Hereditary lymphedema type I. Review status: criteria provided, single submitter. Criteria: ACMG Guidelines, 2015. Collection method: clinical testing. Allele origin: germline.
Comment: Absent from controls (or at extremely low frequency if recessive) in Genome Aggregation Database.;Missense variant in a gene that has a low rate of benign missense variation.